The following is an entry in ClinVar:

ClinVar aggregate classification (germline): Pathogenic/Likely pathogenic. Review status: criteria provided, multiple submitters, no conflicts (2 of 4 stars). 3 submissions from 3 submitters: Pathogenic (1); Likely pathogenic (1). 1 of the submissions does not count toward it. Last evaluated 2023-11-15.

Conditions:
Propionic acidemia (PROP). Also called: GLYCINEMIA, KETOTIC; HYPERGLYCINEMIA WITH KETOACIDOSIS AND LEUKOPENIA; KETOTIC HYPERGLYCINEMIA. Identifiers: Orphanet 35, MedGen C0268579, MONDO:0011628, OMIM 606054, HP:0003571.

Submissions (3):

Labcorp Genetics (formerly Invitae), Labcorp
Classification: Pathogenic for Propionic acidemia. Last evaluated: 2023-11-15. Review status: criteria provided, single submitter. Criteria: Invitae Variant Classification Sherloc (09022015). Collection method: clinical testing. Allele origin: germline.
Comment: This sequence change creates a premature translational stop signal (p.Ala164Glufs*19) in the PCCB gene. It is expected to result in an absent or disrupted protein product. Loss-of-function variants in PCCB are known to be pathogenic (PMID: 15464417). This variant is not present in population databases (gnomAD no frequency). This variant has not been reported in the literature in individuals affected with PCCB-related conditions. ClinVar contains an entry for this variant (Variation ID: 557351). Algorithms developed to predict the effect of sequence changes on RNA splicing suggest that this variant may disrupt the consensus splice site. For these reasons, this variant has been classified as Pathogenic.

Baylor Genetics
Classification: Likely pathogenic for Propionic acidemia. Last evaluated: 2023-10-10. Review status: criteria provided, single submitter. Criteria: ACMG Guidelines, 2015. Collection method: clinical testing. Allele origin: unknown.

Counsyl
Classification: Likely pathogenic for Propionic acidemia. Last evaluated: 2018-03-18. Review status: no assertion criteria provided. Collection method: clinical testing. Allele origin: unknown. Not counted in ClinVar's aggregate classification.

Literature cited by the submitters: PubMed 15464417 (cited by Labcorp Genetics (formerly Invitae), Labcorp).

NM_000532.5(PCCB):c.487_488dup (p.Ala164fs)

Gene: PCCB (propionyl-CoA carboxylase subunit beta; plus strand). Cytogenetic location: 3q22.3.
Variant type: Duplication.
Coding change: c.487_488dup on transcript NM_000532.5 (MANE Select); coding-DNA positions 487 to 488, 2 bases duplicated (GG; older notation c.487_488dupGG).
Protein change: p.Ala164fs; shifts the reading frame from alanine 164.
Molecular consequence: frameshift variant.
Genome position (GRCh38, 1-based): chr3:136,262,009-136,262,010, GG duplicated; duplicating any 2 consecutive bases within chr3:136,262,006-136,262,010 gives the same sequence; the c. name uses the placement nearest the transcript's 3' end. VCF-style (leftmost placement, unchanged base first): chr3-136262005-T-TGG. GRCh37 (hg19) VCF-style: chr3-135980847-T-TGG.
Other names: c.487_488dupGG (NM_000532.4); c.547_548dup, p.Ala184fs (NM_001178014.2); short protein forms A164fs, A184fs.
Identifiers: ClinVar variation 557351 (VCV000557351.6), dbSNP rs1553774884, ClinGen allele CA658821355.